The following is an entry in ClinVar:

ClinVar aggregate classification (germline): Uncertain significance (1 of 4 stars; one submission).

Submission:

Labcorp Genetics (formerly Invitae), Labcorp
Classification: Uncertain significance. Last evaluated: 2025-10-19. Review status: criteria provided, single submitter. Criteria: Invitae Variant Classification Sherloc (09022015). Collection method: clinical testing. Allele origin: germline.
Comment: This sequence change replaces alanine, which is neutral and non-polar, with serine, which is neutral and polar, at codon 155 of the CSF2RB protein (p.Ala155Ser). This variant is not present in population databases (gnomAD no frequency). This variant has not been reported in the literature in individuals affected with CSF2RB-related conditions. Invitae Evidence Modeling of protein sequence and biophysical properties (such as structural, functional, and spatial information, amino acid conservation, physicochemical variation, residue mobility, and thermodynamic stability) indicates that this missense variant is not expected to disrupt CSF2RB protein function with a negative predictive value of 80%. In summary, the available evidence is currently insufficient to determine the role of this variant in disease. Therefore, it has been classified as a Variant of Uncertain Significance.

NM_000395.3(CSF2RB):c.463G>T (p.Ala155Ser)

Gene: CSF2RB (colony stimulating factor 2 receptor subunit beta; plus strand). Cytogenetic location: 22q12.3.
Variant type: single nucleotide variant.
Coding change: c.463G>T on transcript NM_000395.3 (MANE Select); coding-DNA position 463, G replaced by T.
Protein change: p.Ala155Ser; replaces alanine 155 with serine.
Molecular consequence: missense variant.
Genome position (GRCh38, 1-based): chr22:36,929,473, G>T. VCF-style: chr22-36929473-G-T. GRCh37 (hg19) VCF-style: chr22-37325515-G-T.
Other names: c.463G>T, p.Ala155Ser (NM_001410827.1); short protein forms A155S.
Identifiers: ClinVar variation 4806227 (VCV004806227.1).
Genomic context (GRCh38, chr22:36,929,473, plus strand): 5'-GAGCCCAGGGACCTGCAGATCAGCACCGACCAGGACCACTTCCTGCTGACCTGGAGTGTG[G>T]CCCTTGGGAGTCCCCAGAGCCACTGGTTGTCCCCAGGGGATCTGGAGTTTGAGGTGGTCT-3'
Protein context (NP_000386.1, residues 145-165): QDHFLLTWSV[Ala155Ser]LGSPQSHWLS